The following is an entry in ClinVar:

GRCh37/hg19 15q21.3-22.2(chr15:54020810-62086530)x1

Genes: ADAM10 (ADAM metallopeptidase domain 10; minus strand), ALDH1A2 (aldehyde dehydrogenase 1 family member A2; minus strand), ANXA2 (annexin A2; minus strand), AQP9 (aquaporin 9; plus strand), BNIP2 (BCL2 interacting protein 2; minus strand) and 32 more. Cytogenetic location: 15q21.3-22.2.
Variant type: copy number loss.
Change: copy number 1 (one copy instead of two) of chr15:54,020,810-62,086,530 (8.07 Mb, GRCh37 coordinates, 1-based), cytogenetic band 15q21.3-22.2.
Identifiers: ClinVar variation 2685517 (VCV002685517.1).

ClinVar aggregate classification (germline): Pathogenic (1 of 4 stars; one submission).

Submission:

Quest Diagnostics Nichols Institute San Juan Capistrano
Classification: Pathogenic. Last evaluated: 2023-06-01. Review status: criteria provided, single submitter. Criteria: ACMG/ClinGen CNV Guidelines, 2019. Collection method: clinical testing. Allele origin: unknown.
Comment: This loss involves multiple protein-coding genes. Haploinsufficiency of TCF12 is associated with autosomal dominant craniosynostosis-3 (CRS3; OMIM 615314, Rehm 2015, Sharma 2013). Variable expressivity and incomplete penetrance have been suggested (Le Tanno 2014). Microdeletions which either overlap or are fully within the current have been reported in individuals with variable phenotypes (Yamamoto 2014, Yamamoto 2021, Le Tanno 2014). There are no similar copy number losses of this region in the general populations of the Database of Genomic Variants. Thus, this copy number variant (CNV) is classified as pathogenic. References: Le Tanno et al., Am J Med Genet A. 2014 Jun;164A(6):1530-6. PMID: 24648389 Rehm et al., N Engl J Med. 2015 Jun 4;372(23):2235-42. PMID: 26014595 Sharma et al., Nat Genet. 2013 Mar;45(3):304-7. PMID: 23354436 Yamamoto et al., Eur J Med Genet. 2014 Mar;57(4):163-8. PMID: 24525055 Yamamoto et al., Cells. 2021 Sep 4;10(9):2317. PMID: 34571966